The following is an entry in ClinVar:

ClinVar aggregate classification (germline): Uncertain significance (1 of 4 stars; one submission).

Submission:

Labcorp Genetics (formerly Invitae), Labcorp
Classification: Uncertain significance. Last evaluated: 2025-03-10. Review status: criteria provided, single submitter. Criteria: Invitae Variant Classification Sherloc (09022015). Collection method: clinical testing. Allele origin: germline.
Comment: This sequence change creates a premature translational stop signal (p.Cys445*) in the THBD gene. While this is not anticipated to result in nonsense mediated decay, it is expected to disrupt the last 132 amino acid(s) of the THBD protein. This variant is not present in population databases (gnomAD no frequency). This variant has not been reported in the literature in individuals affected with THBD-related conditions. Experimental studies and prediction algorithms are not available or were not evaluated, and the functional significance of this variant is currently unknown. In summary, the available evidence is currently insufficient to determine the role of this variant in disease. Therefore, it has been classified as a Variant of Uncertain Significance.

NM_000361.3(THBD):c.1335C>A (p.Cys445Ter)

Gene: THBD (thrombomodulin; minus strand). Cytogenetic location: 20p11.21.
Variant type: single nucleotide variant.
Coding change: c.1335C>A on transcript NM_000361.3 (MANE Select); coding-DNA position 1335, C replaced by A.
Protein change: p.Cys445Ter; replaces cysteine 445 with a stop codon.
Molecular consequence: nonsense.
Genome position (GRCh38, 1-based): chr20:23,048,170, G>T on the plus strand (C>A on the coding strand, the complement: THBD is on the minus strand). VCF-style: chr20-23048170-G-T. GRCh37 (hg19) VCF-style: chr20-23028807-G-T.
Other names: short protein forms C445*.
Identifiers: ClinVar variation 4714753 (VCV004714753.1).
Genomic context (GRCh38, chr20:23,048,170, plus strand): 5'-GATGCACTCGAAGGTACCGGGGAGGTTGTGGCACACCCCGGAGCAGAAGCCGCCGTTTTC[G>T]CACTCGTCGATGTCCGTGCAGATGAAACCGTCGTCCAGGATGTAGCCTTCAGGGCACTCA-3'